The following is an entry in ClinVar:

ClinVar aggregate classification (germline): Uncertain significance. Review status: criteria provided, single submitter (1 of 4 stars). 2 submissions from 2 submitters: Uncertain significance (1). 1 of the submissions does not count toward it. Last evaluated 2022-08-09.

Conditions:
Hereditary motor neuron disease. Also called: Genetic motor neuron disease. Identifiers: Orphanet 98505, MedGen C0270763, MONDO:0024257.
Charcot-Marie-Tooth disease, type I (CMT1). Also called: Charcot-Marie-Tooth disease type 1; Charcot-Marie-Tooth, Type 1. Identifiers: Orphanet 65753, MedGen C0751036, MONDO:0019011.

Submissions (2):

Labcorp Genetics (formerly Invitae), Labcorp
Classification: Uncertain significance for Charcot-Marie-Tooth disease, type I. Last evaluated: 2022-08-09. Review status: criteria provided, single submitter. Criteria: Invitae Variant Classification Sherloc (09022015). Collection method: clinical testing. Allele origin: germline.
Comment: This variant disrupts the p.Asp90 amino acid residue in MPZ. Other variant(s) that disrupt this residue have been determined to be pathogenic (PMID: 7693129, 20571287, 25694466). This suggests that this residue is clinically significant, and that variants that disrupt this residue are likely to be disease-causing. In summary, the available evidence is currently insufficient to determine the role of this variant in disease. Therefore, it has been classified as a Variant of Uncertain Significance. This variant is not present in population databases (gnomAD no frequency). This variant has not been reported in the literature in individuals affected with MPZ-related conditions. ClinVar contains an entry for this variant (Variation ID: 581604). Algorithms developed to predict the effect of missense changes on protein structure and function (SIFT, PolyPhen-2, Align-GVGD) all suggest that this variant is likely to be tolerated. This sequence change replaces aspartic acid, which is acidic and polar, with asparagine, which is neutral and polar, at codon 90 of the MPZ protein (p.Asp90Asn).

Inherited Neuropathy Consortium
Classification: Likely pathogenic for Hereditary motor neuron disease. Review status: no assertion criteria provided. Collection method: provider interpretation. Allele origin: inherited. Affected: yes. Not counted in ClinVar's aggregate classification.

Literature cited by the submitters: PubMed 7693129 (cited by Labcorp Genetics (formerly Invitae), Labcorp); PubMed 20571287 (cited by Labcorp Genetics (formerly Invitae), Labcorp); PubMed 25694466 (cited by Labcorp Genetics (formerly Invitae), Labcorp).

NM_000530.8(MPZ):c.268G>A (p.Asp90Asn)

Gene: MPZ (myelin protein zero; minus strand). Cytogenetic location: 1q23.3.
Variant type: single nucleotide variant.
Coding change: c.268G>A on transcript NM_000530.8 (MANE Select); coding-DNA position 268, G replaced by A.
Protein change: p.Asp90Asn; replaces aspartic acid 90 with asparagine.
Molecular consequence: missense variant.
Genome position (GRCh38, 1-based): chr1:161,306,888, C>T on the plus strand (G>A on the coding strand, the complement: MPZ is on the minus strand). VCF-style: chr1-161306888-C-T. GRCh37 (hg19) VCF-style: chr1-161276678-C-T.
Other names: c.268G>A, p.Asp90Asn (NM_001315491.2); c.268G>A (LRG_256t1); short protein forms D90N.
Identifiers: ClinVar variation 581604 (VCV000581604.9), dbSNP rs1558154208, ClinGen allele CA343349807.
Genomic context (GRCh38, chr1:161,306,888, plus strand): 5'-CATCCTTCCAGCGAGGGTCCCCTACCCACTGGATGCGCTCTTTGAAGGTCCCCACCTCGT[C>T]AATGTAGGGTTGTCCCTTGGCATAGTGGAAGATCTATGAGGAATGAGGGGAAGCATGTGA-3'
Protein context (NP_000521.2, residues 80-100): FHYAKGQPYI[Asp90Asn]EVGTFKERIQ